The following is an entry in ClinVar:

ClinVar aggregate classification (germline): Conflicting classifications of pathogenicity. Review status: criteria provided, conflicting classifications (1 of 4 stars). 8 submissions from 8 submitters: Uncertain significance (6); Likely benign (1). 1 of the submissions does not count toward it. Last evaluated 2026-01-06.

Conditions:
Nemaline myopathy 2 (NEM2). Also called: Nemaline myopathy 2, autosomal recessive. Identifiers: MedGen C1850569, MONDO:0009725, OMIM 256030.
Arthrogryposis multiplex congenita 6. Identifiers: MedGen C5543431, MONDO:0030281, OMIM 619334.

Allele frequency attached by ClinVar (database versions not stated): gnomAD exomes 0.00006; TOPMed 0.00006; gnomAD 0.00007 and 0.00006; ExAC 0.00009; 1000 Genomes Project 30x 0.00016; 1000 Genomes Project 0.00020.
gnomAD v4.1: 94 of 1,613,824 alleles (0.0058%); highest among the groups gnomAD compares: Non-Finnish European, 0.0076%; no homozygotes.

Submissions (8):

Labcorp Genetics (formerly Invitae), Labcorp
Classification: Likely benign for Nemaline myopathy 2. Last evaluated: 2026-01-06. Review status: criteria provided, single submitter. Criteria: Invitae Variant Classification Sherloc (09022015). Collection method: clinical testing. Allele origin: germline.

Women's Health and Genetics/Laboratory Corporation of America, LabCorp
Classification: Uncertain significance. Last evaluated: 2023-08-09. Review status: criteria provided, single submitter. Criteria: LabCorp Variant Classification Summary - May 2015. Collection method: clinical testing. Allele origin: germline.
Comment: Variant summary: NEB c.11717G>A (p.Arg3906His) results in a non-conservative amino acid change in the encoded protein sequence. Three of four in-silico tools predict a damaging effect of the variant on protein function. The variant allele was found at a frequency of 6.4e-05 in 248888 control chromosomes. This frequency is not significantly higher than estimated for a pathogenic variant in NEB causing Nemaline Myopathy 2 (6.4e-05 vs 0.0035), allowing no conclusion about variant significance. To our knowledge, no occurrence of c.11717G>A in individuals affected with Nemaline Myopathy 2 and no experimental evidence demonstrating its impact on protein function have been reported. Seven submitters have cited clinical-significance assessments for this variant to ClinVar after 2014 and classified as VUS (n=6) and likely benign (n=1). Based on the evidence outlined above, the variant was classified as uncertain significance.

Fulgent Genetics
Classification: Uncertain significance for Nemaline myopathy 2; Arthrogryposis multiplex congenita 6. Last evaluated: 2021-08-19. Review status: criteria provided, single submitter. Criteria: ACMG Guidelines, 2015. Collection method: clinical testing. Allele origin: unknown.

Revvity Omics, Revvity
Classification: Uncertain significance. Last evaluated: 2020-03-05. Review status: criteria provided, single submitter. Criteria: ACMG Guidelines, 2015. Collection method: clinical testing. Allele origin: germline.

GeneDx
Classification: Uncertain significance. Last evaluated: 2019-06-03. Review status: criteria provided, single submitter. Criteria: GeneDx Variant Classification Process June 2021. Collection method: clinical testing. Allele origin: germline. Affected: yes.
Comment: Not observed at a significant frequency in large population cohorts (Lek et al., 2016); In silico analysis, which includes protein predictors and evolutionary conservation, supports a deleterious effect; Missense variant in a gene in which most reported pathogenic variants are truncating/loss-of-function; Has not been previously published as pathogenic or benign to our knowledge

Mayo Clinic Laboratories, Mayo Clinic
Classification: Uncertain significance. Last evaluated: 2019-05-06. Review status: criteria provided, single submitter. Criteria: ACMG Guidelines, 2015. Collection method: clinical testing. Allele origin: germline. Observed: 1 variant allele.

Illumina Laboratory Services, Illumina
Classification: Uncertain significance for Nemaline myopathy 2. Last evaluated: 2018-01-12. Review status: criteria provided, single submitter. Criteria: ICSL Variant Classification Criteria 13 December 2019. Collection method: clinical testing. Allele origin: germline.

Natera, Inc.
Classification: Uncertain significance for Nemaline myopathy type 2. Last evaluated: 2020-01-17. Review status: no assertion criteria provided. Collection method: clinical testing. Allele origin: germline. Not counted in ClinVar's aggregate classification.

NM_001164508.2(NEB):c.11717G>A (p.Arg3906His)

Gene: NEB (nebulin; minus strand). Cytogenetic location: 2q23.3.
Variant type: single nucleotide variant.
Coding change: c.11717G>A on transcript NM_001164508.2 (MANE Select); coding-DNA position 11717, G replaced by A.
Protein change: p.Arg3906His; replaces arginine 3906 with histidine.
Molecular consequence: missense variant.
Genome position (GRCh38, 1-based): chr2:151,612,274, C>T on the plus strand (G>A on the coding strand, the complement: NEB is on the minus strand). VCF-style: chr2-151612274-C-T. GRCh37 (hg19) VCF-style: chr2-152468788-C-T.
Other names: c.11717G>A, p.Arg3906His (NM_001164507.2, NM_001271208.2); c.10988G>A, p.Arg3663His (NM_004543.5); short protein forms R3906H, R3663H.
Identifiers: ClinVar variation 894362 (VCV000894362.23), dbSNP rs556930902, ClinGen allele CA1908693.